The following is an entry in ClinVar:

ClinVar aggregate classification (germline): Uncertain significance (1 of 4 stars; one submission).

gnomAD v4.1: 4 of 1,613,782 alleles (0.00025%); highest among the groups gnomAD compares: South Asian, 0.0044%; no homozygotes.

Submission:

GeneDx
Classification: Uncertain significance. Last evaluated: 2024-07-08. Review status: criteria provided, single submitter. Criteria: GeneDx Variant Classification Process June 2021. Collection method: clinical testing. Allele origin: germline. Affected: yes.
Comment: In silico analysis supports that this missense variant has a deleterious effect on protein structure/function; Has not been previously published as pathogenic or benign to our knowledge

NM_001190.4(BCAT2):c.346C>T (p.Arg116Cys)

Gene: BCAT2 (branched chain amino acid transaminase 2; minus strand). Cytogenetic location: 19q13.33.
Variant type: single nucleotide variant.
Coding change: c.346C>T on transcript NM_001190.4 (MANE Select); coding-DNA position 346, C replaced by T.
Protein change: p.Arg116Cys; replaces arginine 116 with cysteine.
Molecular consequence: missense variant.
Genome position (GRCh38, 1-based): chr19:48,800,252, G>A on the plus strand (C>T on the coding strand, the complement: BCAT2 is on the minus strand). VCF-style: chr19-48800252-G-A. GRCh37 (hg19) VCF-style: chr19-49303509-G-A.
Other names: c.70C>T, p.Arg24Cys (NM_001164773.2); c.226C>T, p.Arg76Cys (NM_001284325.2); short protein forms R76C, R116C, R24C.
Identifiers: ClinVar variation 3572642 (VCV003572642.1).